The following is an entry in ClinVar:

NM_020184.4(CNNM4):c.61C>G (p.Leu21Val)

Gene: CNNM4 (cyclin and CBS domain divalent metal cation transport mediator 4; plus strand). Cytogenetic location: 2q11.2.
Variant type: single nucleotide variant.
Coding change: c.61C>G on transcript NM_020184.4 (MANE Select); coding-DNA position 61, C replaced by G.
Protein change: p.Leu21Val; replaces leucine 21 with valine.
Molecular consequence: missense variant.
Genome position (GRCh38, 1-based): chr2:96,761,060, C>G. VCF-style: chr2-96761060-C-G. GRCh37 (hg19) VCF-style: chr2-97426797-C-G.
Other names: short protein forms L21V.
Identifiers: ClinVar variation 337576 (VCV000337576.12), dbSNP rs886056471, ClinGen allele CA10614244.

ClinVar aggregate classification (germline): Uncertain significance. Review status: criteria provided, multiple submitters, no conflicts (2 of 4 stars). 2 submissions from 2 submitters: Uncertain significance (2). Last evaluated 2020-11-18.

Conditions:
Jalili syndrome. Also called: CONE-ROD DYSTROPHY AND AMELOGENESIS IMPERFECTA. Identifiers: Orphanet 1873, MedGen C3495589, MONDO:0009007, OMIM 217080.

Allele frequency attached by ClinVar (database versions not stated): gnomAD exomes below 0.00001; gnomAD 0.00001; TOPMed 0.00001.
gnomAD v4.1: 5 of 1,258,106 alleles (0.0004%); highest among the groups gnomAD compares: African/African-American, 0.0015%; no homozygotes.

Submissions (2):

Labcorp Genetics (formerly Invitae), Labcorp
Classification: Uncertain significance. Last evaluated: 2020-11-18. Review status: criteria provided, single submitter. Criteria: Invitae Variant Classification Sherloc (09022015). Collection method: clinical testing. Allele origin: germline.
Comment: In summary, the available evidence is currently insufficient to determine the role of this variant in disease. Therefore, it has been classified as a Variant of Uncertain Significance. Algorithms developed to predict the effect of missense changes on protein structure and function (SIFT, PolyPhen-2, Align-GVGD) all suggest that this variant is likely to be tolerated, but these predictions have not been confirmed by published functional studies and their clinical significance is uncertain. This variant has not been reported in the literature in individuals with CNNM4-related conditions. ClinVar contains an entry for this variant (Variation ID: 337576). The frequency data for this variant in the population databases is considered unreliable, as metrics indicate insufficient coverage at this position in the ExAC database. This sequence change replaces leucine with valine at codon 21 of the CNNM4 protein (p.Leu21Val). The leucine residue is weakly conserved and there is a small physicochemical difference between leucine and valine.

Illumina Laboratory Services, Illumina
Classification: Uncertain significance for Jalili syndrome. Last evaluated: 2018-01-12. Review status: criteria provided, single submitter. Criteria: ICSL Variant Classification Criteria 13 December 2019. Collection method: clinical testing. Allele origin: germline.